The following is an entry in ClinVar:

NM_006415.4(SPTLC1):c.685C>G (p.Gln229Glu)

Gene: SPTLC1 (serine palmitoyltransferase long chain base subunit 1; minus strand). Cytogenetic location: 9q22.31.
Variant type: single nucleotide variant.
Coding change: c.685C>G on transcript NM_006415.4 (MANE Select); coding-DNA position 685, C replaced by G.
Protein change: p.Gln229Glu; replaces glutamine 229 with glutamic acid.
Molecular consequence: missense variant.
Genome position (GRCh38, 1-based): chr9:92,059,184, G>C on the plus strand (C>G on the coding strand, the complement: SPTLC1 is on the minus strand). VCF-style: chr9-92059184-G-C. GRCh37 (hg19) VCF-style: chr9-94821466-G-C.
Other names: c.685C>G, p.Gln229Glu (NM_001281303.2); c.319C>G, p.Gln107Glu (NM_001368272.1); c.220C>G, p.Gln74Glu (NM_001368273.1); short protein forms Q107E, Q229E, Q74E.
Identifiers: ClinVar variation 1058207 (VCV001058207.9), dbSNP rs865920055, ClinGen allele CA373795500.

ClinVar aggregate classification (germline): Uncertain significance (1 of 4 stars; one submission).

Conditions:
Hereditary sensory and autonomic neuropathy type 1 (HSAN1). Also called: HSAN 1; HSN Type I; Hereditary Sensory Neuropathy Type I. Identifiers: Orphanet 36386, MedGen C0020071, MONDO:0018213.

Allele frequency attached by ClinVar (database versions not stated): TOPMed 0.00001.
gnomAD v4.1: 1 of 1,613,448 alleles (0.000062%); highest among the groups gnomAD compares: Non-Finnish European, 0.000085%; no homozygotes.

Submission:

Labcorp Genetics (formerly Invitae), Labcorp
Classification: Uncertain significance for Hereditary sensory and autonomic neuropathy type 1. Last evaluated: 2022-08-21. Review status: criteria provided, single submitter. Criteria: Invitae Variant Classification Sherloc (09022015). Collection method: clinical testing. Allele origin: germline.
Comment: Algorithms developed to predict the effect of missense changes on protein structure and function are either unavailable or do not agree on the potential impact of this missense change (SIFT: "Deleterious"; PolyPhen-2: "Benign"; Align-GVGD: "Class C0"). In summary, the available evidence is currently insufficient to determine the role of this variant in disease. Therefore, it has been classified as a Variant of Uncertain Significance. ClinVar contains an entry for this variant (Variation ID: 1058207). This variant has not been reported in the literature in individuals affected with SPTLC1-related conditions. This variant is not present in population databases (gnomAD no frequency). This sequence change replaces glutamine, which is neutral and polar, with glutamic acid, which is acidic and polar, at codon 229 of the SPTLC1 protein (p.Gln229Glu).